The following is an entry in ClinVar:

NM_002180.3(IGHMBP2):c.1148C>T (p.Ala383Val)

Gene: IGHMBP2 (immunoglobulin mu DNA binding protein 2; plus strand). Cytogenetic location: 11q13.3.
Variant type: single nucleotide variant.
Coding change: c.1148C>T on transcript NM_002180.3 (MANE Select); coding-DNA position 1148, C replaced by T.
Protein change: p.Ala383Val; replaces alanine 383 with valine.
Molecular consequence: missense variant.
Genome position (GRCh38, 1-based): chr11:68,929,270, C>T. VCF-style: chr11-68929270-C-T. GRCh37 (hg19) VCF-style: chr11-68696738-C-T.
Other names: short protein forms A383V.
Identifiers: ClinVar variation 234786 (VCV000234786.13), dbSNP rs876661217, ClinGen allele CA10577429.

ClinVar aggregate classification (germline): Uncertain significance. Review status: criteria provided, multiple submitters, no conflicts (2 of 4 stars). 5 submissions from 5 submitters: Uncertain significance (5). Last evaluated 2026-04-04.

Conditions:
IGHMBP2-related disorder. Also called: IGHMBP2-related condition; IGHMBP2-related disorders.
Inborn genetic diseases. Identifiers: MedGen C0950123, MeSH D030342.
Charcot-Marie-Tooth disease axonal type 2S. Also called: CHARCOT-MARIE-TOOTH DISEASE, AXONAL, AUTOSOMAL RECESSIVE, TYPE 2S; CHARCOT-MARIE-TOOTH NEUROPATHY, TYPE 2S. Identifiers: Orphanet 443073, MedGen C4015349, MONDO:0014511, OMIM 616155.
Autosomal recessive distal spinal muscular atrophy 1. Also called: NEURONOPATHY, DISTAL HEREDITARY MOTOR, HARDING TYPE VI; NEUROPATHY, DISTAL HEREDITARY MOTOR, AUTOSOMAL RECESSIVE 1; NEURONOPATHY, SEVERE INFANTILE AXONAL, WITH RESPIRATORY FAILURE; HMN VI; SEVERE INFANTILE AXONAL NEUROPATHY WITH RESPIRATORY FAILURE; SPINAL MUSCULAR ATROPHY, DIAPHRAGMATIC. Identifiers: Orphanet 98920, MedGen C1858517, MONDO:0011436, OMIM 604320.

Allele frequency attached by ClinVar (database versions not stated): gnomAD 0.00001; gnomAD exomes 0.00001 and 0.00006; TOPMed 0.00001.
gnomAD v4.1: 82 of 1,613,682 alleles (0.0051%); highest among the groups gnomAD compares: Non-Finnish European, 0.0064%; no homozygotes.

Submissions (5):

PreventionGenetics, part of Exact Sciences
Classification: Uncertain significance for IGHMBP2-related condition. Last evaluated: 2026-04-04. Review status: criteria provided, single submitter. Criteria: ACMG Guidelines, 2015. Collection method: clinical testing. Allele origin: germline.
Comment: The IGHMBP2 c.1148C>T variant is predicted to result in the amino acid substitution p.Ala383Val. To our knowledge, this variant has not been reported in the literature. This variant is reported in 0.0026% of alleles in individuals of European (Non-Finnish) descent in gnomAD. At this time, the clinical significance of this variant is uncertain due to the absence of conclusive functional and genetic evidence.

Labcorp Genetics (formerly Invitae), Labcorp
Classification: Uncertain significance for Autosomal recessive distal spinal muscular atrophy 1; Charcot-Marie-Tooth disease axonal type 2S. Last evaluated: 2022-03-08. Review status: criteria provided, single submitter. Criteria: Invitae Variant Classification Sherloc (09022015). Collection method: clinical testing. Allele origin: germline.
Comment: This sequence change replaces alanine, which is neutral and non-polar, with valine, which is neutral and non-polar, at codon 383 of the IGHMBP2 protein (p.Ala383Val). This variant is present in population databases (no rsID available, gnomAD 0.003%). This variant has not been reported in the literature in individuals affected with IGHMBP2-related conditions. ClinVar contains an entry for this variant (Variation ID: 234786). Advanced modeling of protein sequence and biophysical properties (such as structural, functional, and spatial information, amino acid conservation, physicochemical variation, residue mobility, and thermodynamic stability) performed at Invitae indicates that this missense variant is not expected to disrupt IGHMBP2 protein function. Algorithms developed to predict the effect of sequence changes on RNA splicing suggest that this variant may create or strengthen a splice site. In summary, the available evidence is currently insufficient to determine the role of this variant in disease. Therefore, it has been classified as a Variant of Uncertain Significance.

Ambry Genetics
Classification: Uncertain significance for Inborn genetic diseases. Last evaluated: 2021-10-20. Review status: criteria provided, single submitter. Criteria: Ambry Variant Classification Scheme 2023. Collection method: clinical testing. Allele origin: germline.
Comment: The p.A383V variant (also known as c.1148C>T), located in coding exon 8 of the IGHMBP2 gene, results from a C to T substitution at nucleotide position 1148. The alanine at codon 383 is replaced by valine, an amino acid with similar properties. This amino acid position is well conserved in available vertebrate species. In addition, the in silico prediction for this alteration is inconclusive. Since supporting evidence is limited at this time, the clinical significance of this alteration remains unclear.

Revvity Omics, Revvity
Classification: Uncertain significance. Last evaluated: 2019-11-14. Review status: criteria provided, single submitter. Criteria: ACMG Guidelines, 2015. Collection method: clinical testing. Allele origin: germline.

GeneDx
Classification: Uncertain significance. Last evaluated: 2016-01-20. Review status: criteria provided, single submitter. Criteria: GeneDx Variant Classification (06012015). Collection method: clinical testing. Allele origin: germline. Affected: yes.
Comment: The c.1148 C>T variant has not been published as a pathogenic variant, nor has it been reported as a benign variant to our knowledge. It was not observed in approximately 6,500 individuals of European and African American ancestry in the NHLBI Exome Sequencing Project, indicating it is not a common benign variant in these populations. Multiple in-silico splice prediction models predict that c.1148 C>T may create a cryptic splice donor site in exon 8 which may supplant the natural donor site and lead to abnormal splicing. However, in the absence of RNA/functional studies, the actual effect of this sequence change in this individual is unknown. If c.1148 C>T does not alter splicing, it will result in the A383V missense substitution, which is a conservative amino acid substitution, which is not likely to impact secondary protein structure as these residues share similar properties. This substitution occurs at a position that is conserved in mammals, and in silico analysis predicts this variant is probably damaging to the protein structure/function. Additionally, missense variants in nearby residues (V373G, E382K, W386R) have been reported in the Human Gene Mutation Database in association with IGHMBP2-related disorders (Stenson et al., 2014), supporting the functional importance of this region of the protein. Therefore, based on the currently available information, it is unclear whether this variant is a pathogenic variant or a rare benign variant.